The following is an entry in ClinVar:

ClinVar aggregate classification (germline): Benign. Review status: reviewed by expert panel (3 of 4 stars). 2 submissions from 2 submitters: Benign (1). 1 of the submissions does not count toward it. Last evaluated 2015-01-12.

Conditions:
Breast-ovarian cancer, familial, susceptibility to, 2 (BROVCA2). Also called: BRCA2 Hereditary Breast and Ovarian Cancer. Identifiers: Orphanet 145, MedGen C2675520, MONDO:0012933, OMIM 612555. Disease mechanism: loss of function.

Allele frequency attached by ClinVar (database versions not stated): 1000 Genomes Project 0.18570; 1000 Genomes Project 30x 0.18691; gnomAD 0.20508 and 0.20987; TOPMed 0.20621.
gnomAD v4.1: 31,128 of 151,876 alleles (20%); highest among the groups gnomAD compares: African/African-American, 25%; 3,387 homozygotes.

Submissions (2):

Evidence-based Network for the Interpretation of Germline Mutant Alleles (ENIGMA)
Classification: Benign for Breast-ovarian cancer, familial 2. Last evaluated: 2015-01-12. Review status: reviewed by expert panel. Criteria: ENIGMA BRCA1/2 Classification Criteria (2015). Collection method: curation. Allele origin: germline.
Comment: Class 1 not pathogenic based on frequency >1% in an outbred sampleset. Frequency 0.07343 (Asian), 0.311 (African), 0.2018 (European), derived from 1000 genomes (2012-04-30).

GeneDx
Classification: Benign. Last evaluated: 2018-06-23. Review status: criteria provided, single submitter. Criteria: GeneDx Variant Classification Process June 2021. Collection method: clinical testing. Allele origin: germline. Affected: yes. Not counted in ClinVar's aggregate classification.

NM_000059.4(BRCA2):c.6937+177G>A

Gene: BRCA2 (BRCA2 DNA repair associated; plus strand). Cytogenetic location: 13q13.1.
Variant type: single nucleotide variant.
Coding change: c.6937+177G>A on transcript NM_000059.4 (MANE Select); 177 bases into the intron after coding-DNA position 6937, G replaced by A.
Molecular consequence: intron variant.
Genome position (GRCh38, 1-based): chr13:32,344,830, G>A. VCF-style: chr13-32344830-G-A. GRCh37 (hg19) VCF-style: chr13-32918967-G-A.
Other names: IVS 12+177G>A.
Identifiers: ClinVar variation 209705 (VCV000209705.2), dbSNP rs4942440, ClinGen allele CA276673.